The following is an entry in ClinVar:

ClinVar aggregate classification (germline): Uncertain significance (1 of 4 stars; one submission).

Conditions:
Neuroblastoma, susceptibility to, 3. Also called: ALK-Related Neuroblastic Tumor Susceptibility. Identifiers: Orphanet 635, MedGen C2751681, MONDO:0013083, OMIM 613014.

Allele frequency attached by ClinVar (database versions not stated): gnomAD exomes below 0.00001.
gnomAD v4.1: 1 of 1,614,174 alleles (0.000062%); highest among the groups gnomAD compares: South Asian, 0.0011%; no homozygotes.

Submission:

Labcorp Genetics (formerly Invitae), Labcorp
Classification: Uncertain significance for Neuroblastoma, susceptibility to, 3. Last evaluated: 2025-05-07. Review status: criteria provided, single submitter. Criteria: Invitae Variant Classification Sherloc (09022015). Collection method: clinical testing. Allele origin: germline.
Comment: This sequence change replaces asparagine, which is neutral and polar, with histidine, which is basic and polar, at codon 1520 of the ALK protein (p.Asn1520His). This variant is not present in population databases (gnomAD no frequency). This variant has not been reported in the literature in individuals affected with ALK-related conditions. ClinVar contains an entry for this variant (Variation ID: 2106897). An algorithm developed to predict the effect of missense changes on protein structure and function outputs the following: PolyPhen-2: "Benign". The histidine amino acid residue is found in multiple mammalian species, which suggests that this missense change does not adversely affect protein function. In summary, the available evidence is currently insufficient to determine the role of this variant in disease. Therefore, it has been classified as a Variant of Uncertain Significance.

NM_004304.5(ALK):c.4558A>C (p.Asn1520His)

Gene: ALK (ALK receptor tyrosine kinase; minus strand). Cytogenetic location: 2p23.2.
Variant type: single nucleotide variant.
Coding change: c.4558A>C on transcript NM_004304.5 (MANE Select); coding-DNA position 4558, A replaced by C.
Protein change: p.Asn1520His; replaces asparagine 1520 with histidine.
Molecular consequence: missense variant.
Genome position (GRCh38, 1-based): chr2:29,193,529, T>G on the plus strand (A>C on the coding strand, the complement: ALK is on the minus strand). VCF-style: chr2-29193529-T-G. GRCh37 (hg19) VCF-style: chr2-29416395-T-G.
Other names: c.1354A>C, p.Asn452His (NM_001353765.2); short protein forms N452H, N1520H.
Identifiers: ClinVar variation 2106897 (VCV002106897.4), dbSNP rs2148137925, ClinGen allele CA346460775.
Genomic context (GRCh38, chr2:29,193,529, plus strand): 5'-TACAGCTTCCCTCCAGCCCCAGGTTACCCCTGTCGTGTGGCTCCTTCTTTGCTATAGGAT[T>G]ATTCTTTTTGGTGGGTTTCTCTGTAAACCAGGAGCCGTACGTTGGGTTCCACAAGCTGGT-3'
Protein context (NP_004295.2, residues 1510-1530): WFTEKPTKKN[Asn1520His]PIAKKEPHDR